The following is an entry in ClinVar:

NM_016203.4(PRKAG2):c.584C>T (p.Ser195Phe)

Gene: PRKAG2 (protein kinase AMP-activated non-catalytic subunit gamma 2; minus strand). Cytogenetic location: 7q36.1.
Variant type: single nucleotide variant.
Coding change: c.584C>T on transcript NM_016203.4 (MANE Select); coding-DNA position 584, C replaced by T.
Protein change: p.Ser195Phe; replaces serine 195 with phenylalanine.
Molecular consequence: missense variant.
Genome position (GRCh38, 1-based): chr7:151,675,520, G>A on the plus strand (C>T on the coding strand, the complement: PRKAG2 is on the minus strand). VCF-style: chr7-151675520-G-A. GRCh37 (hg19) VCF-style: chr7-151372606-G-A.
Other names: c.452C>T, p.Ser151Phe (NM_001040633.2); c.212C>T, p.Ser71Phe (NM_001304527.2, NM_001363698.2); short protein forms S71F, S195F, S151F.
Identifiers: ClinVar variation 920131 (VCV000920131.5), dbSNP rs750592417, ClinGen allele CA370187651.

ClinVar aggregate classification (germline): Uncertain significance (1 of 4 stars; one submission).

Conditions:
Cardiomyopathy (CMYO). Also called: Cardiomyopathies. Identifiers: Orphanet 167848, MedGen C0878544, MONDO:0004994, HP:0001638. Inheritance: Various modes of inheritance.

gnomAD v4.1: 2 of 1,614,196 alleles (0.00012%); highest among the groups gnomAD compares: South Asian, 0.0011%; no homozygotes.

Submission:

Color Diagnostics, LLC DBA Color Health
Classification: Uncertain significance for Cardiomyopathy. Last evaluated: 2023-12-05. Review status: criteria provided, single submitter. Criteria: ACMG Guidelines, 2015. Collection method: clinical testing. Allele origin: germline.
Comment: This missense variant replaces serine with phenylalanine at codon 195 of the PRKAG2 protein. Computational prediction tools and conservation analyses are inconclusive regarding the impact of this variant on the protein function. Computational splicing tools suggest that this variant may not impact RNA splicing. To our knowledge, functional assays have not been performed for this variant nor has this variant been reported in individuals affected with cardiovascular disorders in the literature. This variant has not been identified in the general population by the Genome Aggregation Database (gnomAD). Available evidence is insufficient to determine the role of this variant in disease conclusively. Therefore, this variant is classified as a Variant of Uncertain Significance.